The following is an entry in ClinVar:

NM_138615.3(DHX30):c.2814C>T (p.Ala938=)

Gene: DHX30 (DExH-box helicase 30; plus strand). Cytogenetic location: 3p21.31.
Variant type: single nucleotide variant.
Coding change: c.2814C>T on transcript NM_138615.3 (MANE Select); coding-DNA position 2814, C replaced by T.
Protein change: p.Ala938=; no amino-acid change (alanine 938 retained).
Molecular consequence: synonymous variant.
Genome position (GRCh38, 1-based): chr3:47,848,964, C>T. VCF-style: chr3-47848964-C-T. GRCh37 (hg19) VCF-style: chr3-47890454-C-T.
Other names: c.2730C>T, p.Ala910= (NM_001330990.2); c.2697C>T, p.Ala899= (NM_014966.4).
Identifiers: ClinVar variation 2653778 (VCV002653778.24), dbSNP rs141019262, ClinGen allele CA2370228.

ClinVar aggregate classification (germline): Likely benign (1 of 4 stars; one submission).

Allele frequency attached by ClinVar (database versions not stated): TOPMed 0.00038; 1000 Genomes Project 30x 0.00047; 1000 Genomes Project 0.00060; ESP Exome Variant Server 0.00092; gnomAD 0.00174; ExAC 0.00190.
gnomAD v4.1: 1,950 of 1,613,288 alleles (0.12%); highest among the groups gnomAD compares: Non-Finnish European, 0.07%; 10 homozygotes.

Submission:

CeGaT Center for Human Genetics Tuebingen
Classification: Likely benign. Last evaluated: 2026-05-01. Review status: criteria provided, single submitter. Criteria: CeGaT Center For Human Genetics Tuebingen Variant Classification Criteria Version 2. Collection method: clinical testing. Allele origin: germline. Affected: yes. Observed: 3 variant alleles.
Comment: DHX30: BP4, BP7